The following is an entry in ClinVar:

ClinVar aggregate classification (germline): Uncertain significance (1 of 4 stars; one submission).

Submission:

Ambry Genetics
Classification: Uncertain significance. Last evaluated: 2026-08-05. Review status: criteria provided, single submitter. Criteria: Ambry Variant Classification Scheme 2023. Collection method: clinical testing. Allele origin: germline.
Comment: The p.A735G variant (also known as c.2204C>G), located in coding exon 10 of the WNK2 gene, results from a C to G substitution at nucleotide position 2204. The alanine at codon 735 is replaced by glycine, an amino acid with similar properties. This amino acid position is conserved. In addition, this alteration is predicted to be tolerated by in silico analysis. Based on the available evidence, the clinical significance of this variant remains unclear.

NM_006648.4(WNK2):c.2204C>G (p.Ala735Gly)

Gene: WNK2 (WNK lysine deficient protein kinase 2; plus strand). Cytogenetic location: 9q22.31.
Variant type: single nucleotide variant.
Coding change: c.2204C>G on transcript NM_006648.4 (MANE Select); coding-DNA position 2204, C replaced by G.
Protein change: p.Ala735Gly; replaces alanine 735 with glycine.
Molecular consequence: missense variant.
Genome position (GRCh38, 1-based): chr9:93,256,961, C>G. VCF-style: chr9-93256961-C-G. GRCh37 (hg19) VCF-style: chr9-96019243-C-G.
Other names: c.2204C>G, p.Ala735Gly (NM_001282394.3); short protein forms A735G.
Identifiers: ClinVar variation 5031906 (VCV005031906.1).